The following is an entry in ClinVar:

ClinVar aggregate classification (germline): Uncertain significance (1 of 4 stars; one submission).

Conditions:
Cardiovascular phenotype. Identifiers: MedGen CN230736.

Submission:

Ambry Genetics
Classification: Uncertain significance for Cardiovascular phenotype. Last evaluated: 2016-12-23. Review status: criteria provided, single submitter. Criteria: Ambry Variant Classification Scheme 2023. Collection method: clinical testing. Allele origin: germline.
Comment: The p.C188G variant (also known as c.562T>G), located in coding exon 7 of the DMD gene, results from a T to G substitution at nucleotide position 562. The cysteine at codon 188 is replaced by glycine, an amino acid with highly dissimilar properties. This amino acid position is poorly conserved in available vertebrate species, and glycine is the reference amino acid in other vertebrate species. In addition, this alteration is predicted to be tolerated by in silico analysis. Since supporting evidence is limited at this time, the clinical significance of this alteration remains unclear.

NM_004006.3(DMD):c.562T>G (p.Cys188Gly)

Gene: DMD (dystrophin; minus strand). Cytogenetic location: Xp21.1.
Variant type: single nucleotide variant.
Coding change: c.562T>G on transcript NM_004006.3 (MANE Select); coding-DNA position 562, T replaced by G.
Protein change: p.Cys188Gly; replaces cysteine 188 with glycine.
Molecular consequence: missense variant.
Genome position (GRCh38, 1-based): chrX:32,809,580, A>C on the plus strand (T>G on the coding strand, the complement: DMD is on the minus strand). VCF-style: chrX-32809580-A-C. GRCh37 (hg19) VCF-style: chrX-32827697-A-C.
Other names: c.538T>G, p.Cys180Gly (NM_000109.4); c.550T>G, p.Cys184Gly (NM_004009.3); c.193T>G, p.Cys65Gly (NM_004010.3); short protein forms C188G, C184G, C180G, C65G.
Identifiers: ClinVar variation 518610 (VCV000518610.5), dbSNP rs1557047949, ClinGen allele CA412673938.